The following is an entry in ClinVar:

NM_000218.3(KCNQ1):c.370G>T (p.Val124Phe)

Gene: KCNQ1 (potassium voltage-gated channel subfamily Q member 1; plus strand). Cytogenetic location: 11p15.5.
Variant type: single nucleotide variant.
Coding change: c.370G>T on transcript NM_000218.3 (MANE Select); coding-DNA position 370, G replaced by T.
Protein change: p.Val124Phe; replaces valine 124 with phenylalanine.
Molecular consequence: missense variant.
Genome position (GRCh38, 1-based): chr11:2,445,468, G>T. VCF-style: chr11-2445468-G-T. GRCh37 (hg19) VCF-style: chr11-2466698-G-T.
Other names: c.370G>T, p.Val124Phe (NM_001406836.1, NM_001406838.1); c.8G>T, p.Arg3Leu (NM_001406837.1); short protein forms R3L, V124F.
Identifiers: ClinVar variation 2076462 (VCV002076462.4), dbSNP rs1565023324, ClinGen allele CA379117774.
Genomic context (GRCh38, chr11:2,445,468, plus strand): 5'-ACCCACGTCCAGGGCCGCGTCTACAACTTCCTCGAGCGTCCCACCGGCTGGAAATGCTTC[G>T]TTTACCACTTCGCCGTGTGAGTATCGCCACCGGCGACGGCCGGCACGAAGGTGCTTCCTG-3'
Protein context (NP_000209.2, residues 114-134): LERPTGWKCF[Val124Phe]YHFAVFLIVL

ClinVar aggregate classification (germline): Uncertain significance (1 of 4 stars; one submission).

Conditions:
Long QT syndrome (LQTS). Identifiers: MedGen C0023976, MeSH D008133, MONDO:0002442. Disease mechanism: loss of function. Inheritance: Various modes of inheritance.

Submission:

Labcorp Genetics (formerly Invitae), Labcorp
Classification: Uncertain significance for Long QT syndrome. Last evaluated: 2022-01-06. Review status: criteria provided, single submitter. Criteria: Invitae Variant Classification Sherloc (09022015). Collection method: clinical testing. Allele origin: germline.
Comment: In summary, the available evidence is currently insufficient to determine the role of this variant in disease. Therefore, it has been classified as a Variant of Uncertain Significance. Algorithms developed to predict the effect of missense changes on protein structure and function (SIFT, PolyPhen-2, Align-GVGD) all suggest that this variant is likely to be disruptive. This variant has not been reported in the literature in individuals affected with KCNQ1-related conditions. This variant is not present in population databases (gnomAD no frequency). This sequence change replaces valine, which is neutral and non-polar, with phenylalanine, which is neutral and non-polar, at codon 124 of the KCNQ1 protein (p.Val124Phe).